The following is an entry in ClinVar:

ClinVar aggregate classification (germline): Uncertain significance (1 of 4 stars; one submission).

Conditions:
MHC class I deficiency. Identifiers: Orphanet 34592, MedGen C6024714, MONDO:0011476.

Allele frequency attached by ClinVar (database versions not stated): gnomAD exomes 0.00004.
gnomAD v4.1: 60 of 1,595,440 alleles (0.0038%); highest among the groups gnomAD compares: Non-Finnish European, 0.0051%; no homozygotes.

Submission:

Labcorp Genetics (formerly Invitae), Labcorp
Classification: Uncertain significance for MHC class I deficiency 1. Last evaluated: 2022-09-01. Review status: criteria provided, single submitter. Criteria: Invitae Variant Classification Sherloc (09022015). Collection method: clinical testing. Allele origin: germline.
Comment: This sequence change replaces alanine, which is neutral and non-polar, with valine, which is neutral and non-polar, at codon 644 of the TAP2 protein (p.Ala644Val). This variant is not present in population databases (gnomAD no frequency). This variant has not been reported in the literature in individuals affected with TAP2-related conditions. ClinVar contains an entry for this variant (Variation ID: 1485681). Algorithms developed to predict the effect of missense changes on protein structure and function are either unavailable or do not agree on the potential impact of this missense change (SIFT: "Deleterious"; PolyPhen-2: "Not Available"; Align-GVGD: "Class C0"). Algorithms developed to predict the effect of sequence changes on RNA splicing suggest that this variant may create or strengthen a splice site. In summary, the available evidence is currently insufficient to determine the role of this variant in disease. Therefore, it has been classified as a Variant of Uncertain Significance.

NM_001290043.2(TAP2):c.1931C>T (p.Ala644Val)

Gene: TAP2 (transporter 2, ATP binding cassette subfamily B member; minus strand). Cytogenetic location: 6p21.32.
Variant type: single nucleotide variant.
Coding change: c.1931C>T on transcript NM_001290043.2 (MANE Select); coding-DNA position 1931, C replaced by T.
Protein change: p.Ala644Val; replaces alanine 644 with valine.
Molecular consequence: missense variant.
Genome position (GRCh38, 1-based): chr6:32,829,401, G>A on the plus strand (C>T on the coding strand, the complement: TAP2 is on the minus strand). VCF-style: chr6-32829401-G-A. GRCh37 (hg19) VCF-style: chr6-32797178-G-A.
Other names: c.1931C>T, p.Ala644Val (NM_000544.3, NM_018833.3); short protein forms A644V.
Identifiers: ClinVar variation 1485681 (VCV001485681.6), dbSNP rs1768892875, ClinGen allele CA363578818.